The following is an entry in ClinVar:

ClinVar aggregate classification (germline): Pathogenic (1 of 4 stars; one submission).

Conditions:
Methylcobalamin deficiency type cblE (HMAE). Also called: HOMOCYSTINURIA-MEGALOBLASTIC ANEMIA, cblE COMPLEMENTATION TYPE; HOMOCYSTINURIA-MEGALOBLASTIC ANEMIA, cblE TYPE; VITAMIN B12-RESPONSIVE HOMOCYSTINURIA, cblE TYPE. Identifiers: Orphanet 2169, Orphanet 622, MedGen C1856057, MONDO:0009354, OMIM 236270.

Allele frequency attached by ClinVar (database versions not stated): TOPMed below 0.00001; ExAC 0.00001; gnomAD 0.00001; gnomAD exomes 0.00001.

Submission:

Labcorp Genetics (formerly Invitae), Labcorp
Classification: Pathogenic for Methylcobalamin deficiency type cblE. Last evaluated: 2022-11-01. Review status: criteria provided, single submitter. Criteria: Invitae Variant Classification Sherloc (09022015). Collection method: clinical testing. Allele origin: germline.
Comment: This sequence change creates a premature translational stop signal (p.Ala166Argfs*23) in the MTRR gene. It is expected to result in an absent or disrupted protein product. Loss-of-function variants in MTRR are known to be pathogenic (PMID: 15714522). This variant is present in population databases (rs771216289, gnomAD 0.002%). This variant has not been reported in the literature in individuals affected with MTRR-related conditions. For these reasons, this variant has been classified as Pathogenic.

Literature cited by the submitters: PubMed 15714522.

NM_002454.3(MTRR):c.495dup (p.Ala166fs)

Gene: MTRR (5-methyltetrahydrofolate-homocysteine methyltransferase reductase; plus strand). Cytogenetic location: 5p15.31.
Variant type: Duplication.
Coding change: c.495dup on transcript NM_002454.3 (MANE Select); coding-DNA position 495, one base duplicated (C; older notation c.495dupC).
Protein change: p.Ala166fs; shifts the reading frame from alanine 166.
Molecular consequence: frameshift variant. On other transcripts: non-coding transcript variant (14).
Genome position (GRCh38, 1-based): chr5:7,878,037, C duplicated. VCF-style (leftmost placement, unchanged base first): chr5-7878036-G-GC. GRCh37 (hg19) VCF-style: chr5-7878149-G-GC.
Other names: c.495dup, p.Ala166fs (NM_001364440.2, NM_001364441.2, NM_001364442.2 and 1 more transcripts); short protein forms A166fs.
Identifiers: ClinVar variation 1909287 (VCV001909287.5), dbSNP rs771216289, ClinGen allele CA3195612.